The following is an entry in ClinVar:

NM_004371.4(COPA):c.2330C>T (p.Thr777Ile)

Gene: COPA (coat protein complex I subunit alpha; minus strand). Cytogenetic location: 1q23.2.
Variant type: single nucleotide variant.
Coding change: c.2330C>T on transcript NM_004371.4 (MANE Select); coding-DNA position 2330, C replaced by T.
Protein change: p.Thr777Ile; replaces threonine 777 with isoleucine.
Molecular consequence: missense variant.
Genome position (GRCh38, 1-based): chr1:160,296,083, G>A on the plus strand (C>T on the coding strand, the complement: COPA is on the minus strand). VCF-style: chr1-160296083-G-A. GRCh37 (hg19) VCF-style: chr1-160265873-G-A.
Other names: c.2357C>T, p.Thr786Ile (NM_001098398.2); short protein forms T777I, T786I.
Identifiers: ClinVar variation 1360804 (VCV001360804.10), dbSNP rs913037992, ClinGen allele CA31535390.

ClinVar aggregate classification (germline): Uncertain significance. Review status: criteria provided, multiple submitters, no conflicts (2 of 4 stars). 3 submissions from 3 submitters: Uncertain significance (3). Last evaluated 2025-11-28.

Conditions:
Autoimmune interstitial lung disease-arthritis syndrome. Also called: Autoinflammation and autoimmunity, systemic, with immune dysregulation. Identifiers: Orphanet 444092, MedGen C5975714, MONDO:0014629.

Allele frequency attached by ClinVar (database versions not stated): gnomAD exomes below 0.00001.
gnomAD v4.1: 1 of 1,614,130 alleles (0.000062%); highest among the groups gnomAD compares: Non-Finnish European, 0.000085%; no homozygotes.

Submissions (3):

Labcorp Genetics (formerly Invitae), Labcorp
Classification: Uncertain significance for Autoimmune interstitial lung disease-arthritis syndrome. Last evaluated: 2025-11-28. Review status: criteria provided, single submitter. Criteria: Invitae Variant Classification Sherloc (09022015). Collection method: clinical testing. Allele origin: germline.
Comment: This sequence change replaces threonine, which is neutral and polar, with isoleucine, which is neutral and non-polar, at codon 777 of the COPA protein (p.Thr777Ile). This variant is not present in population databases (gnomAD no frequency). This variant has not been reported in the literature in individuals affected with COPA-related conditions. ClinVar contains an entry for this variant (Variation ID: 1360804). Invitae Evidence Modeling of protein sequence and biophysical properties (such as structural, functional, and spatial information, amino acid conservation, physicochemical variation, residue mobility, and thermodynamic stability) indicates that this missense variant is not expected to disrupt COPA protein function with a negative predictive value of 80%. In summary, the available evidence is currently insufficient to determine the role of this variant in disease. Therefore, it has been classified as a Variant of Uncertain Significance.

Genomic Medicine Center of Excellence, King Faisal Specialist Hospital and Research Centre
Classification: Uncertain significance for Autoinflammation and autoimmunity with immune dysregulation 1. Last evaluated: 2024-04-04. Review status: criteria provided, single submitter. Criteria: ACMG Guidelines, 2015. Collection method: clinical testing. Allele origin: germline.

Blueprint Genetics
Classification: Uncertain significance. Last evaluated: 2020-02-13. Review status: criteria provided, single submitter. Criteria: ACMG Guidelines, 2015. Collection method: clinical testing. Allele origin: germline.